The following is an entry in ClinVar:

NM_130837.3(OPA1):c.2252T>C (p.Ile751Thr)

Gene: OPA1 (OPA1 mitochondrial dynamin like GTPase; plus strand). Cytogenetic location: 3q29.
Variant type: single nucleotide variant.
Coding change: c.2252T>C on transcript NM_130837.3 (MANE Select); coding-DNA position 2252, T replaced by C.
Protein change: p.Ile751Thr; replaces isoleucine 751 with threonine.
Molecular consequence: missense variant.
Genome position (GRCh38, 1-based): chr3:193,657,153, T>C. VCF-style: chr3-193657153-T-C. GRCh37 (hg19) VCF-style: chr3-193374942-T-C.
Other names: c.1718T>C, p.Ile573Thr (NM_001354663.2); c.1715T>C, p.Ile572Thr (NM_001354664.2); c.2087T>C, p.Ile696Thr (NM_015560.3); c.1979T>C, p.Ile660Thr (NM_130831.3); c.2033T>C, p.Ile678Thr (NM_130832.3); c.2090T>C, p.Ile697Thr (NM_130833.3); c.2141T>C, p.Ile714Thr (NM_130834.3); c.2144T>C, p.Ile715Thr (NM_130835.3); and 1 more; short protein forms I573T, I660T, I697T, I715T, I733T, I714T, I751T, I572T.
Identifiers: ClinVar variation 4743130 (VCV004743130.1).

ClinVar aggregate classification (germline): Uncertain significance (1 of 4 stars; one submission).

Submission:

Labcorp Genetics (formerly Invitae), Labcorp
Classification: Uncertain significance. Last evaluated: 2026-01-12. Review status: criteria provided, single submitter. Criteria: Invitae Variant Classification Sherloc (09022015). Collection method: clinical testing. Allele origin: germline.
Comment: This sequence change replaces isoleucine, which is neutral and non-polar, with threonine, which is neutral and polar, at codon 696 of the OPA1 protein (p.Ile696Thr). This variant is present in population databases (no rsID available, gnomAD 0.0009%). This variant has not been reported in the literature in individuals affected with OPA1-related conditions. Invitae Evidence Modeling of protein sequence and biophysical properties (such as structural, functional, and spatial information, amino acid conservation, physicochemical variation, residue mobility, and thermodynamic stability) indicates that this missense variant is not expected to disrupt OPA1 protein function with a negative predictive value of 80%. In summary, the available evidence is currently insufficient to determine the role of this variant in disease. Therefore, it has been classified as a Variant of Uncertain Significance.